The following is an entry in ClinVar:

ClinVar aggregate classification (germline): Conflicting classifications of pathogenicity. Review status: criteria provided, conflicting classifications (1 of 4 stars). 6 submissions from 5 submitters: Uncertain significance (2); Likely benign (4). Last evaluated 2025-10-26.

Conditions:
RYR1-related disorder. Also called: RYR1-related disorders; RYR1-related condition. Identifiers: MedGen CN239331.
Congenital multicore myopathy with external ophthalmoplegia (CMYO1B). Also called: MULTICORE MYOPATHY; MULTIMINICORE DISEASE WITH EXTERNAL OPHTHALMOPLEGIA; Congenital myopathy 1B, autosomal recessive; Minicore myopathy; Minicore myopathy with external ophthalmoplegia. Identifiers: Orphanet 598, Orphanet 98905, MedGen C1850674, MONDO:0009712, OMIM 255320, HP:0003789.
Malignant hyperthermia, susceptibility to, 1 (MHS1). Also called: RYR1-Related Malignant Hyperthermia Susceptibility; Anesthesia related hyperthermia; Malignant hyperpyrexia; Fulminating hyperpyrexia; Pharmacogenic myopathy; Malignant hyperthermia suceptibility 1. Identifiers: Orphanet 423, MedGen C2930980, MONDO:0007783, OMIM 145600.

Allele frequency attached by ClinVar (database versions not stated): gnomAD below 0.00001 and 0.00001; ExAC 0.00007; gnomAD exomes 0.00008.
gnomAD v4.1: 92 of 1,609,856 alleles (0.0057%); highest among the groups gnomAD compares: Middle Eastern, 0.083%; 1 homozygote.

Submissions (6):

Labcorp Genetics (formerly Invitae), Labcorp
Classification: Likely benign for RYR1-related disorder. Last evaluated: 2025-10-26. Review status: criteria provided, single submitter. Criteria: Invitae Variant Classification Sherloc (09022015). Collection method: clinical testing. Allele origin: germline.

All of Us Research Program, National Institutes of Health
Classification: Likely benign for Malignant hyperthermia, susceptibility to, 1. Last evaluated: 2023-08-15. Review status: criteria provided, single submitter. Criteria: ACMG Guidelines, 2015. Collection method: clinical testing. Allele origin: germline. Inheritance: Autosomal dominant inheritance. Observed: 3 variant alleles, 3 heterozygotes.
Comment: This study involves interpretation of variants in research participants for the purpose of population health screening. Participant phenotype was not available at the time of variant classification. Additional details can be found in publication PMID: 35346344, PMCID: PMC8962531

Color Diagnostics, LLC DBA Color Health
Classification: Likely benign for Malignant hyperthermia, susceptibility to, 1. Last evaluated: 2022-11-23. Review status: criteria provided, single submitter. Criteria: ACMG Guidelines, 2015. Collection method: clinical testing. Allele origin: germline.

CeGaT Center for Human Genetics Tuebingen
Classification: Likely benign. Last evaluated: 2021-04-01. Review status: criteria provided, single submitter. Criteria: CeGaT Center For Human Genetics Tuebingen Variant Classification Criteria Version 2. Collection method: clinical testing. Allele origin: germline. Affected: yes. Observed: 1 variant allele.

Illumina Laboratory Services, Illumina
Classification: Uncertain significance for Congenital multicore myopathy with external ophthalmoplegia. Last evaluated: 2018-01-13. Review status: criteria provided, single submitter. Criteria: ICSL Variant Classification Criteria 13 December 2019. Collection method: clinical testing. Allele origin: germline.

Illumina Laboratory Services, Illumina
Classification: Uncertain significance for Malignant hyperthermia, susceptibility to, 1. Last evaluated: 2018-01-13. Review status: criteria provided, single submitter. Criteria: ICSL Variant Classification Criteria 13 December 2019. Collection method: clinical testing. Allele origin: germline.

NM_000540.3(RYR1):c.7836-6C>T

Gene: RYR1 (ryanodine receptor 1; plus strand). Cytogenetic location: 19q13.2.
Variant type: single nucleotide variant.
Coding change: c.7836-6C>T on transcript NM_000540.3 (MANE Select); 6 bases into the intron before coding-DNA position 7836, C replaced by T.
Molecular consequence: intron variant.
Genome position (GRCh38, 1-based): chr19:38,502,874, C>T. VCF-style: chr19-38502874-C-T. GRCh37 (hg19) VCF-style: chr19-38993514-C-T.
Other names: c.7836-6C>T (NM_001042723.2).
Identifiers: ClinVar variation 771989 (VCV000771989.50), dbSNP rs780269941, ClinGen allele CA070758.